The following is an entry in ClinVar:

NM_000138.5(FBN1):c.1474G>A (p.Asp492Asn)

Gene: FBN1 (fibrillin 1; minus strand). Cytogenetic location: 15q21.1.
Variant type: single nucleotide variant.
Coding change: c.1474G>A on transcript NM_000138.5 (MANE Select); coding-DNA position 1474, G replaced by A.
Protein change: p.Asp492Asn; replaces aspartic acid 492 with asparagine.
Molecular consequence: missense variant.
Genome position (GRCh38, 1-based): chr15:48,513,663, C>T on the plus strand (G>A on the coding strand, the complement: FBN1 is on the minus strand). VCF-style: chr15-48513663-C-T. GRCh37 (hg19) VCF-style: chr15-48805860-C-T.
Other names: c.1474G>A, p.Asp492Asn (NM_001406716.1); short protein forms D492N.
Identifiers: ClinVar variation 3075006 (VCV003075006.1), dbSNP rs2505614146, ClinGen allele CA392342858.

ClinVar aggregate classification (germline): Uncertain significance (1 of 4 stars; one submission).

Conditions:
Marfan syndrome (MFS). Also called: MARFAN SYNDROME, TYPE I; Marfan syndrome type 1; Marfan's syndrome; Marfan syndrome, classic; FBN1-Related Marfan Syndrome. Identifiers: Orphanet 284963, Orphanet 558, MedGen C0024796, MONDO:0007947, OMIM 154700.

Submission:

All of Us Research Program, National Institutes of Health
Classification: Uncertain significance for Marfan syndrome. Last evaluated: 2024-01-11. Review status: criteria provided, single submitter. Criteria: ACMG Guidelines, 2015. Collection method: clinical testing. Allele origin: germline. Inheritance: Autosomal dominant inheritance. Observed: 1 variant allele, 1 heterozygote.
Comment: This study involves interpretation of variants in research participants for the purpose of population health screening. Participant phenotype was not available at the time of variant classification. Additional details can be found in publication PMID: 35346344, PMCID: PMC8962531